The following is an entry in ClinVar:

NM_003816.3(ADAM9):c.1284_1285del (p.Cys428_Asp429delinsTer)

Gene: ADAM9 (ADAM metallopeptidase domain 9; plus strand). Cytogenetic location: 8p11.22.
Variant type: Microsatellite.
Coding change: c.1284_1285del on transcript NM_003816.3 (MANE Select); coding-DNA positions 1284 to 1285, 2 bases deleted (TG; older notation c.1284_1285delTG).
Protein change: p.Cys428_Asp429delinsTer.
Molecular consequence: nonsense. On other transcripts: non-coding transcript variant (3).
Genome position (GRCh38, 1-based): chr8:39,042,099-39,042,100, TG deleted; deleting any 2 consecutive bases within chr8:39,042,096-39,042,100 gives the same sequence; the c. name uses the placement nearest the transcript's 3' end. VCF-style (leftmost placement, unchanged base first): chr8-39042095-AGT-A. GRCh37 (hg19) VCF-style: chr8-38899614-AGT-A.
Identifiers: ClinVar variation 2134415 (VCV002134415.4), dbSNP rs2492068574, ClinGen allele CA2580614338.

ClinVar aggregate classification (germline): Pathogenic (1 of 4 stars; one submission).

Submission:

Labcorp Genetics (formerly Invitae), Labcorp
Classification: Pathogenic. Last evaluated: 2022-05-05. Review status: criteria provided, single submitter. Criteria: Invitae Variant Classification Sherloc (09022015). Collection method: clinical testing. Allele origin: germline.
Comment: For these reasons, this variant has been classified as Pathogenic. This sequence change creates a premature translational stop signal (p.Cys428*) in the ADAM9 gene. It is expected to result in an absent or disrupted protein product. Loss-of-function variants in ADAM9 are known to be pathogenic (PMID: 19409519). This variant is not present in population databases (gnomAD no frequency). This variant has not been reported in the literature in individuals affected with ADAM9-related conditions.

Literature cited by the submitters: PubMed 19409519.